The following is an entry in ClinVar:

ClinVar aggregate classification (germline): Uncertain significance (1 of 4 stars; one submission).

Conditions:
Hereditary cancer-predisposing syndrome. Also called: Neoplastic Syndromes, Hereditary; Tumor predisposition; Hereditary Cancer Syndrome; Hereditary neoplastic syndrome. Identifiers: Orphanet 140162, MedGen C0027672, MeSH D009386, MONDO:0015356.

Submission:

Ambry Genetics
Classification: Uncertain significance for Hereditary cancer-predisposing syndrome. Last evaluated: 2025-12-07. Review status: criteria provided, single submitter. Criteria: Ambry Variant Classification Scheme 2023. Collection method: clinical testing. Allele origin: germline.
Comment: The p.G479A variant (also known as c.1436G>C), located in coding exon 11 of the POT1 gene, results from a G to C substitution at nucleotide position 1436. The glycine at codon 479 is replaced by alanine, an amino acid with similar properties. This amino acid position is conserved. In addition, this alteration is predicted to be tolerated by in silico analysis. Based on the available evidence, the clinical significance of this variant remains unclear.

NM_015450.3(POT1):c.1436G>C (p.Gly479Ala)

Gene: POT1 (protection of telomeres 1; minus strand). Cytogenetic location: 7q31.33.
Variant type: single nucleotide variant.
Coding change: c.1436G>C on transcript NM_015450.3 (MANE Select); coding-DNA position 1436, G replaced by C.
Protein change: p.Gly479Ala; replaces glycine 479 with alanine.
Molecular consequence: missense variant. On other transcripts: non-coding transcript variant (3).
Genome position (GRCh38, 1-based): chr7:124,835,348, C>G on the plus strand (G>C on the coding strand, the complement: POT1 is on the minus strand). VCF-style: chr7-124835348-C-G. GRCh37 (hg19) VCF-style: chr7-124475402-C-G.
Other names: c.1043G>C, p.Gly348Ala (NM_001042594.2); short protein forms G479A, G348A.
Identifiers: ClinVar variation 4673272 (VCV004673272.1).